The following is an entry in ClinVar:

NM_024306.5(FA2H):c.798C>T (p.Asp266=)

Gene: FA2H (fatty acid 2-hydroxylase; minus strand). Cytogenetic location: 16q23.1.
Variant type: single nucleotide variant.
Coding change: c.798C>T on transcript NM_024306.5 (MANE Select); coding-DNA position 798, C replaced by T.
Protein change: p.Asp266=; no amino-acid change (aspartic acid 266 retained).
Molecular consequence: synonymous variant.
Genome position (GRCh38, 1-based): chr16:74,716,588, G>A on the plus strand (C>T on the coding strand, the complement: FA2H is on the minus strand). VCF-style: chr16-74716588-G-A. GRCh37 (hg19) VCF-style: chr16-74750486-G-A.
Identifiers: ClinVar variation 700054 (VCV000700054.15), dbSNP rs771402018, ClinGen allele CA8170380.

ClinVar aggregate classification (germline): Conflicting classifications of pathogenicity. Review status: criteria provided, conflicting classifications (1 of 4 stars). 4 submissions from 4 submitters: Uncertain significance (1); Likely benign (2). 1 of the submissions does not count toward it. Last evaluated 2025-11-05.

Conditions:
Spastic paraplegia. Identifiers: MedGen C0037772, HP:0001258.
Hereditary spastic paraplegia 35. Also called: SPASTIC PARAPLEGIA 35, AUTOSOMAL RECESSIVE, WITH OR WITHOUT NEURODEGENERATION; LEUKODYSTROPHY, DYSMYELINATING, AND SPASTIC PARAPARESIS WITH OR WITHOUT DYSTONIA; Spastic paraplegia 35, autosomal recessive; Spastic paraplegia 35. Identifiers: Orphanet 171629, MedGen C3496228, MONDO:0012866, OMIM 612319.
FA2H-related disorder. Also called: FA2H-related condition.

Allele frequency attached by ClinVar (database versions not stated): gnomAD exomes 0.00003; ExAC 0.00004; TOPMed 0.00008; gnomAD 0.00011 and 0.00013.
gnomAD v4.1: 114 of 1,563,996 alleles (0.0073%); highest among the groups gnomAD compares: Non-Finnish European, 0.0087%; no homozygotes.

Submissions (4):

Labcorp Genetics (formerly Invitae), Labcorp
Classification: Likely benign for Spastic paraplegia. Last evaluated: 2025-11-05. Review status: criteria provided, single submitter. Criteria: Invitae Variant Classification Sherloc (09022015). Collection method: clinical testing. Allele origin: germline.

Blueprint Genetics
Classification: Likely benign. Last evaluated: 2023-12-07. Review status: criteria provided, single submitter. Criteria: ACMG Guidelines, 2015. Collection method: clinical testing. Allele origin: germline.

Illumina Laboratory Services, Illumina
Classification: Uncertain significance for Hereditary spastic paraplegia 35. Last evaluated: 2018-03-23. Review status: criteria provided, single submitter. Criteria: ICSL Variant Classification Criteria 13 December 2019. Collection method: clinical testing. Allele origin: germline.

PreventionGenetics, part of Exact Sciences
Classification: Likely benign for FA2H-related condition. Last evaluated: 2019-08-06. Review status: no assertion criteria provided. Collection method: clinical testing. Allele origin: germline. Not counted in ClinVar's aggregate classification.
Comment: This variant is classified as likely benign based on ACMG/AMP sequence variant interpretation guidelines (Richards et al. 2015 PMID: 25741868, with internal and published modifications).